The following is an entry in ClinVar:

ClinVar aggregate classification (germline): Uncertain significance (1 of 4 stars; one submission).

Allele frequency attached by ClinVar (database versions not stated): gnomAD 0.00001; gnomAD exomes 0.00002; TOPMed 0.00005; ExAC 0.00006.
gnomAD v4.1: 39 of 1,613,906 alleles (0.0024%); highest among the groups gnomAD compares: South Asian, 0.0077%; 1 homozygote.

Submission:

Labcorp Genetics (formerly Invitae), Labcorp
Classification: Uncertain significance. Last evaluated: 2022-07-05. Review status: criteria provided, single submitter. Criteria: Invitae Variant Classification Sherloc (09022015). Collection method: clinical testing. Allele origin: germline.
Comment: This sequence change replaces leucine, which is neutral and non-polar, with isoleucine, which is neutral and non-polar, at codon 188 of the WISP3 protein (p.Leu188Ile). This variant is present in population databases (rs781797281, gnomAD 0.004%). This variant has not been reported in the literature in individuals affected with WISP3-related conditions. ClinVar contains an entry for this variant (Variation ID: 1680466). Algorithms developed to predict the effect of missense changes on protein structure and function output the following: SIFT: "Tolerated"; PolyPhen-2: "Benign"; Align-GVGD: "Class C0". The isoleucine amino acid residue is found in multiple mammalian species, which suggests that this missense change does not adversely affect protein function. In summary, the available evidence is currently insufficient to determine the role of this variant in disease. Therefore, it has been classified as a Variant of Uncertain Significance.

NM_198239.2(CCN6):c.562C>A (p.Leu188Ile)

Gene: CCN6 (cellular communication network factor 6; plus strand). Cytogenetic location: 6q21.
Variant type: single nucleotide variant.
Coding change: c.562C>A on transcript NM_198239.2 (MANE Select); coding-DNA position 562, C replaced by A.
Protein change: p.Leu188Ile; replaces leucine 188 with isoleucine.
Molecular consequence: missense variant. On other transcripts: non-coding transcript variant (2).
Genome position (GRCh38, 1-based): chr6:112,064,970, C>A. VCF-style: chr6-112064970-C-A. GRCh37 (hg19) VCF-style: chr6-112386173-C-A.
Other names: c.562C>A, p.Leu188Ile (NM_003880.4); short protein forms L188I.
Identifiers: ClinVar variation 1680466 (VCV001680466.3), dbSNP rs781797281, ClinGen allele CA3964011.